The following is an entry in ClinVar:

ClinVar aggregate classification (germline): Conflicting classifications of pathogenicity. Review status: criteria provided, conflicting classifications (1 of 4 stars). 5 submissions from 5 submitters: Pathogenic (2); Likely pathogenic (2); Uncertain significance (1). Last evaluated 2026-10-01.

Conditions:
Hereditary cancer-predisposing syndrome. Also called: Hereditary neoplastic syndrome; Neoplastic Syndromes, Hereditary; Hereditary Cancer Syndrome; Tumor predisposition. Identifiers: Orphanet 140162, MedGen C0027672, MeSH D009386, MONDO:0015356.
Colorectal cancer, susceptibility to, 12 (CRCS12). Also called: COLORECTAL CANCER, SUSCEPTIBILITY TO, ON CHROMOSOME 12q24. Identifiers: Orphanet 220460, MedGen C3554460, MONDO:0014038, OMIM 615083.

Allele frequency attached by ClinVar (database versions not stated): TOPMed below 0.00001; gnomAD exomes 0.00001.

Submissions (5):

St. Jude Molecular Pathology, St. Jude Children's Research Hospital
Classification: Likely pathogenic for Colorectal cancer, susceptibility to, 12. Last evaluated: 2026-10-01. Review status: criteria provided, single submitter. Criteria: St. Jude Assertion Criteria 2020. Collection method: clinical testing. Allele origin: germline.
Comment: The POLE c.5361del p.(Cys1788AlafsTer8) change deletes one nucleotide to cause a frameshift and the creation of a premature stop codon. This change is predicted to cause protein truncation or absence of protein due to nonsense-mediated decay. This variant has a maximum subpopulation frequency of 0.002% in gnomAD v2.1.1. The disease mechanism for replication-repair-associated DNA polymerases is loss of proofreading caused by missense changes in the exonuclease domain, whereas protein-truncating variants causing loss-of-function are associated with IMAGE-I syndrome (PMID: 23447401, 30503519). In summary, this variant is likely pathogenic with respect to IMAGE-I syndrome and of uncertain significance with respect to polymerase proofreading-associated polyposis.

Labcorp Genetics (formerly Invitae), Labcorp
Classification: Pathogenic. Last evaluated: 2025-09-14. Review status: criteria provided, single submitter. Criteria: Invitae Variant Classification Sherloc (09022015). Collection method: clinical testing. Allele origin: germline.
Comment: This sequence change creates a premature translational stop signal (p.Cys1788Alafs*8) in the POLE gene. It is expected to result in an absent or disrupted protein product. Loss-of-function variants in POLE are known to be pathogenic (PMID: 23230001, 25948378, 30503519). This variant is present in population databases (rs752558475, gnomAD 0.002%). This variant has not been reported in the literature in individuals affected with POLE-related conditions. ClinVar contains an entry for this variant (Variation ID: 405885). For these reasons, this variant has been classified as Pathogenic.

Center for Genomic Medicine, Rigshospitalet, Copenhagen University Hospital
Classification: Pathogenic. Last evaluated: 2025-03-04. Review status: criteria provided, single submitter. Criteria: ACMG Guidelines, 2015. Collection method: clinical testing. Allele origin: germline.

Ambry Genetics
Classification: Uncertain significance for Hereditary cancer-predisposing syndrome. Last evaluated: 2024-12-12. Review status: criteria provided, single submitter. Criteria: Ambry Variant Classification Scheme 2023. Collection method: clinical testing. Allele origin: germline.
Comment: The c.5361delG variant, located in coding exon 39 of the POLE gene, results from a deletion of one nucleotide at nucleotide position 5361, causing a translational frameshift with a predicted alternate stop codon (p.C1788Afs*8). This alteration is expected to result in loss of function by premature protein truncation or nonsense-mediated mRNA decay. Loss-of-function variants subject to nonsense mediated decay (NMD) in POLE are known to cause POLE-deficiency; however, such associations with POLE-related polymerase proofreading-associated polyposis (PPAP) have not been reported. Based on the supporting evidence, this alteration is likely pathogenic for POLE-deficiency; however, the association of this alteration with POLE-related polymerase proofreading-associated polyposis (PPAP) is unknown.

GeneDx
Classification: Likely pathogenic. Last evaluated: 2024-01-17. Review status: criteria provided, single submitter. Criteria: GeneDx Variant Classification Process June 2021. Collection method: clinical testing. Allele origin: germline. Affected: yes.
Comment: Frameshift variant predicted to result in protein truncation or nonsense mediated decay in a gene for which loss of function is a known mechanism of disease; Not observed at significant frequency in large population cohorts (gnomAD); Has not been previously published as pathogenic or benign to our knowledge

Literature cited by the submitters: PubMed 23230001 (cited by Labcorp Genetics (formerly Invitae), Labcorp); PubMed 25948378 (cited by Labcorp Genetics (formerly Invitae), Labcorp); PubMed 30503519 (cited by Labcorp Genetics (formerly Invitae), Labcorp); PubMed 32792570 (cited by Center for Genomic Medicine, Rigshospitalet, Copenhagen University Hospital).

NM_006231.4(POLE):c.5361del (p.Cys1788fs)

Gene: POLE (DNA polymerase epsilon, catalytic subunit; minus strand). Cytogenetic location: 12q24.33.
Variant type: Deletion.
Coding change: c.5361del on transcript NM_006231.4 (MANE Select); coding-DNA position 5361, one base deleted (G; older notation c.5361delG).
Protein change: p.Cys1788fs; shifts the reading frame from cysteine 1788.
Molecular consequence: frameshift variant.
Genome position (GRCh38, 1-based): chr12:132,641,664, C deleted on the plus strand (G on the coding strand, the reverse complement: POLE is on the minus strand). VCF-style (leftmost placement, unchanged base first): chr12-132641663-AC-A. GRCh37 (hg19) VCF-style: chr12-133218249-AC-A.
Other names: c.5361delG (NM_006231.3, NM_006231.4, NM_006231.2); c.5361del (NM_006231.2); short protein forms C1788fs.
Identifiers: ClinVar variation 405885 (VCV000405885.20), dbSNP rs752558475, ClinGen allele CA16613758.